The following is an entry in ClinVar:

ClinVar aggregate classification (germline): Pathogenic/Likely pathogenic. Review status: criteria provided, multiple submitters, no conflicts (2 of 4 stars). 2 submissions from 2 submitters: Pathogenic (1); Likely pathogenic (1). Last evaluated 2025-06-01.

Conditions:
Inborn genetic diseases. Identifiers: MedGen C0950123, MeSH D030342.
Autosomal recessive distal spinal muscular atrophy 2. Also called: NEURONOPATHY, DISTAL HEREDITARY MOTOR, JERASH TYPE; NEUROPATHY, DISTAL HEREDITARY MOTOR, JERASH TYPE; SPINAL MUSCULAR ATROPHY, JERASH TYPE; NEUROPATHY, DISTAL HEREDITARY MOTOR, AUTOSOMAL RECESSIVE 2; Hereditary motor neuropathy, Jerash type; Motor neuropathy, distal, Jerash type. Identifiers: Orphanet 139552, MedGen C1854023, MONDO:0011585, OMIM 605726.
Amyotrophic lateral sclerosis type 16. Also called: AMYOTROPHIC LATERAL SCLEROSIS 16, JUVENILE. Identifiers: Orphanet 300605, MedGen C3280587, MONDO:0013715, OMIM 614373.

Submissions (2):

Labcorp Genetics (formerly Invitae), Labcorp
Classification: Pathogenic for Autosomal recessive distal spinal muscular atrophy 2; Amyotrophic lateral sclerosis type 16. Last evaluated: 2025-06-01. Review status: criteria provided, single submitter. Criteria: Invitae Variant Classification Sherloc (09022015). Collection method: clinical testing. Allele origin: germline.
Comment: This sequence change creates a premature translational stop signal (p.Arg7Glyfs*16) in the SIGMAR1 gene. It is expected to result in an absent or disrupted protein product. Loss-of-function variants in SIGMAR1 are known to be pathogenic (PMID: 26078401, 27402882, 28708278, 29115704). This variant is present in population databases (rs747285235, gnomAD 0.007%). This premature translational stop signal has been observed in individual(s) with hereditary motor neuropathy (PMID: 28708278). This variant is also known as c.18delC (p.G6Afs*17). ClinVar contains an entry for this variant (Variation ID: 650504). For these reasons, this variant has been classified as Pathogenic.

Ambry Genetics
Classification: Likely pathogenic for Inborn genetic diseases. Last evaluated: 2022-02-28. Review status: criteria provided, single submitter. Criteria: Ambry Variant Classification Scheme 2023. Collection method: clinical testing. Allele origin: germline.
Comment: The c.19delC variant, located in coding exon 1 of the SIGMAR1 gene, results from a deletion of one nucleotide at nucleotide position 19, causing a translational frameshift with a predicted alternate stop codon (p.R7Gfs*16). The predicted stop codon occurs within the first 150 nucleotides of theSIGMAR1 gene. This alteration may escape nonsense-mediated mRNAdecay and/or be rescued by re-initiation (Rivas et al. Science. 2015 May 8;348(6235):666-9; Lindeboom et al. Nat Genet. 2016 Oct;48(10):1112-8; Rhee et al. Sci Rep. 2017 May 10;7(1):1653). However, a significant portion of the protein is affected (Ambry internal data). This variant was detected alongside another variant in SIGMAR1 in an individual with progressive weakness in the lower extremities; nerve conduction studies for this individual revealed a prolonged terminal motor latency (Hartley T et al. Clin Genet, 2018 02;93:301-309). Based on data from gnomAD, this allele has an overall frequency of 0.002% (4/160174) total alleles studied. The highest observed frequency was 0.006% (4/63174) of European (non-Finnish) alleles. Based on the majority of available evidence to date, this variant is likely to be pathogenic.

Literature cited by the submitters: PubMed 26078401 (cited by Labcorp Genetics (formerly Invitae), Labcorp); PubMed 27402882 (cited by Labcorp Genetics (formerly Invitae), Labcorp); PubMed 28708278 (cited by Labcorp Genetics (formerly Invitae), Labcorp and Ambry Genetics); PubMed 29115704 (cited by Labcorp Genetics (formerly Invitae), Labcorp).

NM_005866.4(SIGMAR1):c.19del (p.Arg7fs)

Genes: SIGMAR1 (sigma receptor chaperone 1; minus strand), LOC130001681 (ATAC-STARR-seq lymphoblastoid silent region 19853; plus strand). Cytogenetic location: 9p13.3.
Variant type: Deletion.
Coding change: c.19del on transcript NM_005866.4 (MANE Select); coding-DNA position 19, one base deleted (C; older notation c.19delC).
Protein change: p.Arg7fs; shifts the reading frame from arginine 7.
Molecular consequence: frameshift variant. On other transcripts: 5 prime UTR variant (1), non-coding transcript variant (1).
Genome position (GRCh38, 1-based): chr9:34,637,679, G deleted on the plus strand (C on the coding strand, the reverse complement: SIGMAR1 is on the minus strand); the first of 2 consecutive G bases (chr9:34,637,679-34,637,680); deleting either gives the same sequence. VCF-style (leftmost placement, unchanged base first): chr9-34637678-CG-C. GRCh37 (hg19) VCF-style: chr9-34637675-CG-C.
Other names: c.19del (NM_005866.3); c.19del, p.Arg7fs (NM_001282205.2, NM_001282207.2, NM_001282208.2 and 2 more transcripts); c.-235del (NM_001282206.2); short protein forms R7fs.
Identifiers: ClinVar variation 650504 (VCV000650504.11), dbSNP rs747285235, ClinGen allele CA5035962.